The following is an entry in ClinVar:

ClinVar aggregate classification (germline): Uncertain significance (1 of 4 stars; one submission).

Submission:

GeneDx
Classification: Uncertain significance. Last evaluated: 2025-06-12. Review status: criteria provided, single submitter. Criteria: GeneDx Variant Classification Process June 2021. Collection method: clinical testing. Allele origin: germline. Affected: yes.
Comment: Not observed at significant frequency in large population cohorts (gnomAD); In silico analysis supports that this missense variant has a deleterious effect on protein structure/function; Has not been previously published as pathogenic or benign to our knowledge

NM_004522.3(KIF5C):c.591C>A (p.Asn197Lys)

Gene: KIF5C (kinesin family member 5C; plus strand). Cytogenetic location: 2q23.1.
Variant type: single nucleotide variant.
Coding change: c.591C>A on transcript NM_004522.3 (MANE Select); coding-DNA position 591, C replaced by A.
Protein change: p.Asn197Lys; replaces asparagine 197 with lysine.
Molecular consequence: missense variant.
Genome position (GRCh38, 1-based): chr2:148,946,900, C>A. VCF-style: chr2-148946900-C-A. GRCh37 (hg19) VCF-style: chr2-149803414-C-A.
Other names: short protein forms N197K.
Identifiers: ClinVar variation 4537681 (VCV004537681.1).